The following is an entry in ClinVar:

NM_004369.4(COL6A3):c.7123G>A (p.Asp2375Asn)

Gene: COL6A3 (collagen type VI alpha 3 chain; minus strand). Cytogenetic location: 2q37.3.
Variant type: single nucleotide variant.
Coding change: c.7123G>A on transcript NM_004369.4 (MANE Select); coding-DNA position 7123, G replaced by A.
Protein change: p.Asp2375Asn; replaces aspartic acid 2375 with asparagine.
Molecular consequence: missense variant.
Genome position (GRCh38, 1-based): chr2:237,345,183, C>T on the plus strand (G>A on the coding strand, the complement: COL6A3 is on the minus strand). VCF-style: chr2-237345183-C-T. GRCh37 (hg19) VCF-style: chr2-238253826-C-T.
Other names: c.5302G>A, p.Asp1768Asn (NM_057166.5); c.6505G>A, p.Asp2169Asn (NM_057167.4); c.7123G>A (NM_004369.3); short protein forms D2375N, D2169N, D1768N.
Identifiers: ClinVar variation 284486 (VCV000284486.9), dbSNP rs778371231, ClinGen allele CA2187921.

ClinVar aggregate classification (germline): Uncertain significance. Review status: criteria provided, multiple submitters, no conflicts (2 of 4 stars). 3 submissions from 3 submitters: Uncertain significance (3). Last evaluated 2025-08-02.

Conditions:
Bethlem myopathy 1A. Also called: Bethlem myopathy 1; MYOPATHY, BENIGN CONGENITAL, WITH CONTRACTURES; Bethlem Muscular Dystrophy. Identifiers: Orphanet 610, MedGen CN029274, MONDO:0024530, OMIM 158810.
Inborn genetic diseases. Identifiers: MedGen C0950123, MeSH D030342.

Allele frequency attached by ClinVar (database versions not stated): gnomAD exomes below 0.00001 and 0.00002; gnomAD 0.00001; ExAC 0.00002.
gnomAD v4.1: 7 of 1,614,032 alleles (0.00043%); highest among the groups gnomAD compares: East Asian, 0.0022%; no homozygotes.

Submissions (3):

Ambry Genetics
Classification: Uncertain significance for Inborn genetic diseases. Last evaluated: 2025-08-02. Review status: criteria provided, single submitter. Criteria: Ambry Variant Classification Scheme 2023. Collection method: clinical testing. Allele origin: germline.

Labcorp Genetics (formerly Invitae), Labcorp
Classification: Uncertain significance for Bethlem myopathy 1A. Last evaluated: 2023-08-10. Review status: criteria provided, single submitter. Criteria: Invitae Variant Classification Sherloc (09022015). Collection method: clinical testing. Allele origin: germline.
Comment: This sequence change replaces aspartic acid, which is acidic and polar, with asparagine, which is neutral and polar, at codon 2375 of the COL6A3 protein (p.Asp2375Asn). In summary, the available evidence is currently insufficient to determine the role of this variant in disease. Therefore, it has been classified as a Variant of Uncertain Significance. Advanced modeling of protein sequence and biophysical properties (such as structural, functional, and spatial information, amino acid conservation, physicochemical variation, residue mobility, and thermodynamic stability) has been performed at Invitae for this missense variant, however the output from this modeling did not meet the statistical confidence thresholds required to predict the impact of this variant on COL6A3 protein function. ClinVar contains an entry for this variant (Variation ID: 284486). This variant has not been reported in the literature in individuals affected with COL6A3-related conditions. This variant is present in population databases (rs778371231, gnomAD 0.003%).

Eurofins Ntd Llc (ga)
Classification: Uncertain significance. Last evaluated: 2015-10-30. Review status: criteria provided, single submitter. Criteria: EGL Classification Definitions 2015. Collection method: clinical testing. Allele origin: germline. Observed: 1 variant allele, 1 heterozygote.